The following is an entry in ClinVar:

ClinVar aggregate classification (germline): Uncertain significance. Review status: criteria provided, single submitter (1 of 4 stars). 2 submissions from 2 submitters: Uncertain significance (1). 1 of the submissions does not count toward it. Last evaluated 2024-02-13.

Conditions:
Cardiomyopathy (CMYO). Also called: Cardiomyopathies. Identifiers: Orphanet 167848, MedGen C0878544, MONDO:0004994, HP:0001638. Inheritance: Various modes of inheritance.
Dystrophin deficiency.
Duchenne muscular dystrophy (DMD). Also called: MUSCULAR DYSTROPHY, PSEUDOHYPERTROPHIC PROGRESSIVE, DUCHENNE TYPE; Duchenne Muscular Dystrophy (DMD). Identifiers: Orphanet 98896, MedGen C0013264, MONDO:0010679, OMIM 310200.
Becker muscular dystrophy (BMD). Also called: Becker Muscular Dystrophy (BMD); MUSCULAR DYSTROPHY, PSEUDOHYPERTROPHIC PROGRESSIVE, BECKER TYPE. Identifiers: Orphanet 98895, MedGen C0917713, MONDO:0010311, OMIM 300376.

Allele frequency attached by ClinVar (database versions not stated): gnomAD exomes below 0.00001; TOPMed 0.00002.
gnomAD v4.1: 1 of 1,210,190 alleles (0.000083%); highest among the groups gnomAD compares: Non-Finnish European, 0.00011%; no homozygotes.

Submissions (2):

Labcorp Genetics (formerly Invitae), Labcorp
Classification: Uncertain significance for Duchenne muscular dystrophy. Last evaluated: 2024-02-13. Review status: criteria provided, single submitter. Criteria: Invitae Variant Classification Sherloc (09022015). Collection method: clinical testing. Allele origin: germline.
Comment: This sequence change replaces isoleucine, which is neutral and non-polar, with valine, which is neutral and non-polar, at codon 2549 of the DMD protein (p.Ile2549Val). This variant is not present in population databases (gnomAD no frequency). This variant has not been reported in the literature in individuals affected with DMD-related conditions. ClinVar contains an entry for this variant (Variation ID: 1044402). Advanced modeling of protein sequence and biophysical properties (such as structural, functional, and spatial information, amino acid conservation, physicochemical variation, residue mobility, and thermodynamic stability) performed at Invitae indicates that this missense variant is not expected to disrupt DMD protein function with a negative predictive value of 95%. In summary, the available evidence is currently insufficient to determine the role of this variant in disease. Therefore, it has been classified as a Variant of Uncertain Significance.

Natera, Inc.
Classification: Uncertain significance for Becker muscular dystrophy; Cardiomyopathy; Duchenne muscular dystrophy; Dystrophin deficiency. Last evaluated: 2019-08-29. Review status: no assertion criteria provided. Collection method: clinical testing. Allele origin: germline. Not counted in ClinVar's aggregate classification.

NM_004006.3(DMD):c.7645A>G (p.Ile2549Val)

Gene: DMD (dystrophin; minus strand). Cytogenetic location: Xp21.1.
Variant type: single nucleotide variant.
Coding change: c.7645A>G on transcript NM_004006.3 (MANE Select); coding-DNA position 7645, A replaced by G.
Protein change: p.Ile2549Val; replaces isoleucine 2549 with valine.
Molecular consequence: missense variant.
Genome position (GRCh38, 1-based): chrX:31,729,646, T>C on the plus strand (A>G on the coding strand, the complement: DMD is on the minus strand). VCF-style: chrX-31729646-T-C. GRCh37 (hg19) VCF-style: chrX-31747763-T-C.
Other names: c.7621A>G, p.Ile2541Val (NM_000109.4); c.7633A>G, p.Ile2545Val (NM_004009.3); c.7276A>G, p.Ile2426Val (NM_004010.3); c.3622A>G, p.Ile1208Val (NM_004011.4); c.3613A>G, p.Ile1205Val (NM_004012.4); c.265A>G, p.Ile89Val (NM_004013.3, NM_004020.4, NM_004021.3 and 2 more transcripts); short protein forms I1205V, I1208V, I2549V, I2426V, I2545V, I2541V, I89V.
Identifiers: ClinVar variation 1044402 (VCV001044402.10), dbSNP rs1006232878, ClinGen allele CA328466934.